The following is an entry in ClinVar:

NM_003919.3(SGCE):c.551T>C (p.Leu184Pro)

Genes: CASD1 (CAS1 domain sialic acid O acetyltransferase 1; plus strand), SGCE (sarcoglycan epsilon; minus strand). Cytogenetic location: 7q21.3.
Variant type: single nucleotide variant.
Coding change: c.551T>C on transcript NM_003919.3 (MANE Select); coding-DNA position 551, T replaced by C.
Protein change: p.Leu184Pro; replaces leucine 184 with proline.
Molecular consequence: missense variant.
Genome position (GRCh38, 1-based): chr7:94,618,869, A>G on the plus strand (T>C on the coding strand, the complement: SGCE is on the minus strand). VCF-style: chr7-94618869-A-G. GRCh37 (hg19) VCF-style: chr7-94248181-A-G.
Other names: c.551T>C, p.Leu184Pro (NM_001099400.2, NM_001099401.2, NM_001346717.2); c.428T>C, p.Leu143Pro (NM_001301139.2, NM_001362809.2); c.659T>C, p.Leu220Pro (NM_001346713.2, NM_001346715.2); c.464T>C, p.Leu155Pro (NM_001346719.2, NM_001362807.2); c.278T>C, p.Leu93Pro (NM_001346720.2, NM_001362808.2); short protein forms L184P, L220P, L93P, L143P, L155P.
Identifiers: ClinVar variation 420156 (VCV000420156.20), dbSNP rs1064794321, ClinGen allele CA16618579.

ClinVar aggregate classification (germline): Pathogenic/Likely pathogenic. Review status: criteria provided, multiple submitters, no conflicts (2 of 4 stars). 4 submissions from 4 submitters: Pathogenic (1); Likely pathogenic (3). Last evaluated 2025-03-11.

Conditions:
Myoclonus-dystonia syndrome. Identifiers: Orphanet 36899, MedGen CN295306, MONDO:0000903.
Myoclonic dystonia 11 (DYT11). Also called: Myoclonic dystonia; Dystonia 11; Dystonia, alcohol responsive; Hereditary essential myoclonus; SGCE Myoclonus-Dystonia; DYT-SGCE. Identifiers: Orphanet 36899, MedGen C1834570, MONDO:0008044, OMIM 159900.

Submissions (4):

GeneDx
Classification: Likely pathogenic. Last evaluated: 2025-03-11. Review status: criteria provided, single submitter. Criteria: GeneDx Variant Classification Process June 2021. Collection method: clinical testing. Allele origin: germline. Affected: yes.
Comment: Identified in patients with myoclonus-dystonia syndrome; however, in vitro functional studies were not included (PMID: 18175340, 18355305); In silico analysis supports that this missense variant has a deleterious effect on protein structure/function; Not observed at significant frequency in large population cohorts (gnomAD); This variant is associated with the following publications: (PMID: 19117361, 21796726, 18355305, 11022010, 33200041, 18175340, 10716258)

Baylor Genetics
Classification: Likely pathogenic for Myoclonic dystonia 11. Last evaluated: 2024-03-12. Review status: criteria provided, single submitter. Criteria: ACMG Guidelines, 2015. Collection method: clinical testing. Allele origin: unknown.

Labcorp Genetics (formerly Invitae), Labcorp
Classification: Pathogenic for Myoclonic dystonia 11. Last evaluated: 2024-01-02. Review status: criteria provided, single submitter. Criteria: Invitae Variant Classification Sherloc (09022015). Collection method: clinical testing. Allele origin: germline.
Comment: This sequence change replaces leucine, which is neutral and non-polar, with proline, which is neutral and non-polar, at codon 184 of the SGCE protein (p.Leu184Pro). This variant is not present in population databases (gnomAD no frequency). This missense change has been observed in individuals with myoclonus-dystonia (PMID: 11022010, 18175340, 18355305; Invitae). It has also been observed to segregate with disease in related individuals. ClinVar contains an entry for this variant (Variation ID: 420156). Advanced modeling of protein sequence and biophysical properties (such as structural, functional, and spatial information, amino acid conservation, physicochemical variation, residue mobility, and thermodynamic stability) performed at Invitae indicates that this missense variant is not expected to disrupt SGCE protein function with a negative predictive value of 80%. For these reasons, this variant has been classified as Pathogenic.

Athena Diagnostics
Classification: Likely pathogenic. Last evaluated: 2021-09-10. Review status: criteria provided, single submitter. Criteria: Athena Diagnostics Criteria. Collection method: clinical testing. Allele origin: unknown.
Comment: This variant has not been reported in large, multi-ethnic general populations. This variant appears to segregate with disease in at least one family.

Literature cited by the submitters: PubMed 11022010 (cited by Labcorp Genetics (formerly Invitae), Labcorp); PubMed 18175340 (cited by Labcorp Genetics (formerly Invitae), Labcorp and Athena Diagnostics); PubMed 18355305 (cited by Labcorp Genetics (formerly Invitae), Labcorp and Athena Diagnostics); PubMed 10716258 (cited by Athena Diagnostics); PubMed 33200041 (cited by Athena Diagnostics).